The following is an entry in ClinVar:

NM_015164.4(PLEKHM2):c.686C>T (p.Pro229Leu)

Gene: PLEKHM2 (pleckstrin homology and RUN domain containing M2; plus strand). Cytogenetic location: 1p36.21.
Variant type: single nucleotide variant.
Coding change: c.686C>T on transcript NM_015164.4 (MANE Select); coding-DNA position 686, C replaced by T.
Protein change: p.Pro229Leu; replaces proline 229 with leucine.
Molecular consequence: missense variant.
Genome position (GRCh38, 1-based): chr1:15,721,362, C>T. VCF-style: chr1-15721362-C-T. GRCh37 (hg19) VCF-style: chr1-16047857-C-T.
Other names: short protein forms P229L.
Identifiers: ClinVar variation 948485 (VCV000948485.9), dbSNP rs1337397914, ClinGen allele CA338582122.

ClinVar aggregate classification (germline): Uncertain significance (1 of 4 stars; one submission).

Allele frequency attached by ClinVar (database versions not stated): gnomAD exomes below 0.00001 and 0.00001; TOPMed below 0.00001.

Submission:

Labcorp Genetics (formerly Invitae), Labcorp
Classification: Uncertain significance. Last evaluated: 2023-10-13. Review status: criteria provided, single submitter. Criteria: Invitae Variant Classification Sherloc (09022015). Collection method: clinical testing. Allele origin: germline.
Comment: This sequence change replaces proline, which is neutral and non-polar, with leucine, which is neutral and non-polar, at codon 229 of the PLEKHM2 protein (p.Pro229Leu). The frequency data for this variant in the population databases is considered unreliable, as metrics indicate poor data quality at this position in the gnomAD database. This variant has not been reported in the literature in individuals affected with PLEKHM2-related conditions. ClinVar contains an entry for this variant (Variation ID: 948485). An algorithm developed to predict the effect of missense changes on protein structure and function (PolyPhen-2) suggests that this variant is likely to be tolerated. Algorithms developed to predict the effect of sequence changes on RNA splicing suggest that this variant may disrupt the consensus splice site. In summary, the available evidence is currently insufficient to determine the role of this variant in disease. Therefore, it has been classified as a Variant of Uncertain Significance.